The following is an entry in ClinVar:

NM_000075.4(CDK4):c.425A>C (p.Lys142Thr)

Gene: CDK4 (cyclin dependent kinase 4; minus strand). Cytogenetic location: 12q14.1.
Variant type: single nucleotide variant.
Coding change: c.425A>C on transcript NM_000075.4 (MANE Select); coding-DNA position 425, A replaced by C.
Protein change: p.Lys142Thr; replaces lysine 142 with threonine.
Molecular consequence: missense variant.
Genome position (GRCh38, 1-based): chr12:57,751,020, T>G on the plus strand (A>C on the coding strand, the complement: CDK4 is on the minus strand). VCF-style: chr12-57751020-T-G. GRCh37 (hg19) VCF-style: chr12-58144803-T-G.
Other names: short protein forms K142T.
Identifiers: ClinVar variation 4224569 (VCV004224569.1).
Genomic context (GRCh38, chr12:57,751,020, plus strand): 5'-GCCAGGCCAAAGTCAGCCAGCTTGACTGTTCCACCACTTGTCACCAGAATGTTCTCTGGC[T>G]TCAGATCTCGGTGAACGATGCAATTGGCATGAAGGAAATCTAGGCCTCTTAGAAACTGGC-3'
Protein context (NP_000066.1, residues 132-152): HANCIVHRDL[Lys142Thr]PENILVTSGG

ClinVar aggregate classification (germline): Uncertain significance (1 of 4 stars; one submission).

Conditions:
Hereditary cancer-predisposing syndrome. Also called: Hereditary Cancer Syndrome; Hereditary neoplastic syndrome; Neoplastic Syndromes, Hereditary; Tumor predisposition. Identifiers: Orphanet 140162, MedGen C0027672, MeSH D009386, MONDO:0015356.

gnomAD v4.1: 1 of 1,614,132 alleles (0.000062%); no homozygotes.

Submission:

Ambry Genetics
Classification: Uncertain significance for Hereditary cancer-predisposing syndrome. Last evaluated: 2025-06-20. Review status: criteria provided, single submitter. Criteria: Ambry Variant Classification Scheme 2023. Collection method: clinical testing. Allele origin: germline.
Comment: The p.K142T variant (also known as c.425A>C), located in coding exon 3 of the CDK4 gene, results from an A to C substitution at nucleotide position 425. The lysine at codon 142 is replaced by threonine, an amino acid with similar properties. This amino acid position is highly conserved in available vertebrate species. In addition, this alteration is predicted to be deleterious by in silico analysis. Based on the available evidence, the clinical significance of this variant remains unclear.